The following is an entry in ClinVar:

NC_000004.12:g.(?_185143353)_(185535454_?)del

Genes: LRP2BP (LRP2 binding protein; minus strand), SNX25 (sorting nexin 25; plus strand), UFSP2 (UFM1 specific peptidase 2; minus strand), ANKRD37 (ankyrin repeat domain 37; plus strand), CCDC110 (coiled-coil domain containing 110; minus strand) and 32 more. Cytogenetic location: 4q35.1.
Variant type: Deletion.
Identifiers: ClinVar variation 525144 (VCV000525144.1).

ClinVar aggregate classification (germline): Uncertain significance (1 of 4 stars; one submission).

Conditions:
Primary dilated cardiomyopathy (DCM). Also called: Dilated Cardiomyopathy. Identifiers: Orphanet 217604, MedGen C0007193, MeSH D002311, MONDO:0005021, HP:0001644. Inheritance: Various modes of inheritance.
Hypertrophic cardiomyopathy. Also called: HYPERTROPHIC MYOCARDIOPATHY. Identifiers: Orphanet 217569, MedGen C0007194, MeSH D002312, MONDO:0005045, HP:0001639.

Submission:

Labcorp Genetics (formerly Invitae), Labcorp
Classification: Uncertain significance for Hypertrophic cardiomyopathy; Primary dilated cardiomyopathy. Last evaluated: 2017-08-03. Review status: criteria provided, single submitter. Criteria: Invitae Variant Classification Sherloc (09022015). Collection method: clinical testing. Allele origin: germline.
Comment: A gross deletion of the genomic region encompassing the full coding sequence of the PDLIM3 gene has been identified. The boundaries of this event are unknown as the deletion extends beyond the assayed region for this gene and therefore may encompass additional genes. This variant has not been reported in individuals unaffected by PDLIM3 related conditions. The current clinical and genetic evidence is not sufficient to establish whether loss-of-function variants in PDLIM3 cause disease. In summary, the available evidence is currently insufficient to determine the role of this variant in disease. Therefore, it has been classified as a Variant of Uncertain Significance.